The following is an entry in ClinVar:

ClinVar aggregate classification (germline): Uncertain significance (1 of 4 stars; one submission).

Conditions:
Dextro-looped transposition of the great arteries. Also called: Dextrotransposition of the great arteries. Identifiers: Orphanet 860, MedGen C3531771, MONDO:0019443, OMIM 608808, HP:0031348.

Submission:

Labcorp Genetics (formerly Invitae), Labcorp
Classification: Uncertain significance for Dextro-looped transposition of the great arteries. Last evaluated: 2024-02-24. Review status: criteria provided, single submitter. Criteria: Invitae Variant Classification Sherloc (09022015). Collection method: clinical testing. Allele origin: germline.
Comment: This sequence change replaces methionine, which is neutral and non-polar, with lysine, which is basic and polar, at codon 227 of the MED13L protein (p.Met227Lys). This variant is not present in population databases (gnomAD no frequency). This variant has not been reported in the literature in individuals affected with MED13L-related conditions. Advanced modeling of protein sequence and biophysical properties (such as structural, functional, and spatial information, amino acid conservation, physicochemical variation, residue mobility, and thermodynamic stability) performed at Invitae indicates that this missense variant is not expected to disrupt MED13L protein function with a negative predictive value of 80%. In summary, the available evidence is currently insufficient to determine the role of this variant in disease. Therefore, it has been classified as a Variant of Uncertain Significance.

NM_015335.5(MED13L):c.680T>A (p.Met227Lys)

Gene: MED13L (mediator complex subunit 13L; minus strand). Cytogenetic location: 12q24.21.
Variant type: single nucleotide variant.
Coding change: c.680T>A on transcript NM_015335.5 (MANE Select); coding-DNA position 680, T replaced by A.
Protein change: p.Met227Lys; replaces methionine 227 with lysine.
Molecular consequence: missense variant.
Genome position (GRCh38, 1-based): chr12:116,019,918, A>T on the plus strand (T>A on the coding strand, the complement: MED13L is on the minus strand). VCF-style: chr12-116019918-A-T. GRCh37 (hg19) VCF-style: chr12-116457723-A-T.
Other names: short protein forms M227K.
Identifiers: ClinVar variation 3641483 (VCV003641483.2).